The following is an entry in ClinVar:

NM_138694.4(PKHD1):c.6408C>A (p.Ser2136Arg)

Gene: PKHD1 (PKHD1 ciliary IPT domain containing fibrocystin/polyductin; minus strand). Cytogenetic location: 6p12.2.
Variant type: single nucleotide variant.
Coding change: c.6408C>A on transcript NM_138694.4 (MANE Select); coding-DNA position 6408, C replaced by A.
Protein change: p.Ser2136Arg; replaces serine 2136 with arginine.
Molecular consequence: missense variant.
Genome position (GRCh38, 1-based): chr6:51,911,881, G>T on the plus strand (C>A on the coding strand, the complement: PKHD1 is on the minus strand). VCF-style: chr6-51911881-G-T. GRCh37 (hg19) VCF-style: chr6-51776679-G-T.
Other names: c.6408C>A, p.Ser2136Arg (NM_170724.3); short protein forms S2136R.
Identifiers: ClinVar variation 3593864 (VCV003593864.3).

ClinVar aggregate classification (germline): Uncertain significance. Review status: criteria provided, multiple submitters, no conflicts (2 of 4 stars). 2 submissions from 2 submitters: Uncertain significance (2). Last evaluated 2024-03-18.

Conditions:
Polycystic kidney disease 4 (PKD4). Also called: POLYCYSTIC KIDNEY AND HEPATIC DISEASE 1; POLYCYSTIC KIDNEY DISEASE, INFANTILE, TYPE I; POLYCYSTIC KIDNEY DISEASE 4 WITH OR WITHOUT POLYCYSTIC LIVER DISEASE; PKD3; Autosomal Recessive Polycystic Kidney Disease – PKHD1. Identifiers: MedGen C4540575, MONDO:0033004, OMIM 263200.

gnomAD v4.1: 112 of 1,610,986 alleles (0.007%); highest among the groups gnomAD compares: South Asian, 0.11%; no homozygotes.

Submissions (2):

Fulgent Genetics
Classification: Uncertain significance for Polycystic kidney disease 4. Last evaluated: 2024-03-18. Review status: criteria provided, single submitter. Criteria: ACMG Guidelines, 2015. Collection method: clinical testing. Allele origin: germline.

Juno Genomics, Hangzhou Juno Genomics, Inc
Classification: Uncertain significance for Polycystic kidney disease 4. Review status: criteria provided, single submitter. Criteria: ACMG Guidelines, 2015. Collection method: clinical testing. Allele origin: germline.
Comment: Absent from controls (or at extremely low frequency if recessive) in Genome Aggregation Database.;Multiple lines of computational evidence support a deleterious effect on the gene or gene product.;Patient's phenotype or family history is highly specific for a disease with a single genetic etiology.